The following is an entry in ClinVar:

NM_014712.3(SETD1A):c.3483C>G (p.Pro1161=)

Gene: SETD1A (SET domain containing 1A, histone lysine methyltransferase; plus strand). Cytogenetic location: 16p11.2.
Variant type: single nucleotide variant.
Coding change: c.3483C>G on transcript NM_014712.3 (MANE Select); coding-DNA position 3483, C replaced by G.
Protein change: p.Pro1161=; no amino-acid change (proline 1161 retained).
Molecular consequence: synonymous variant.
Genome position (GRCh38, 1-based): chr16:30,979,269, C>G. VCF-style: chr16-30979269-C-G. GRCh37 (hg19) VCF-style: chr16-30990590-C-G.
Identifiers: ClinVar variation 3067240 (VCV003067240.21), dbSNP rs377587137, ClinGen allele CA8017297.

ClinVar aggregate classification (germline): Likely benign (1 of 4 stars; one submission).

Allele frequency attached by ClinVar (database versions not stated): ESP Exome Variant Server 0.00008; TOPMed 0.00013; gnomAD 0.00015; ExAC 0.00021.
gnomAD v4.1: 198 of 1,613,246 alleles (0.012%); highest among the groups gnomAD compares: Non-Finnish European, 0.0022%; no homozygotes.

Submission:

CeGaT Center for Human Genetics Tuebingen
Classification: Likely benign. Last evaluated: 2025-03-01. Review status: criteria provided, single submitter. Criteria: CeGaT Center For Human Genetics Tuebingen Variant Classification Criteria Version 2. Collection method: clinical testing. Allele origin: germline. Affected: yes. Observed: 2 variant alleles.
Comment: SETD1A: BP4, BP7